The following is an entry in ClinVar:

NM_001165963.4(SCN1A):c.2459T>C (p.Ile820Thr)

Gene: SCN1A (sodium voltage-gated channel alpha subunit 1; minus strand). Cytogenetic location: 2q24.3.
Variant type: single nucleotide variant.
Coding change: c.2459T>C on transcript NM_001165963.4 (MANE Select); coding-DNA position 2459, T replaced by C.
Protein change: p.Ile820Thr; replaces isoleucine 820 with threonine.
Molecular consequence: missense variant. On other transcripts: non-coding transcript variant (1).
Genome position (GRCh38, 1-based): chr2:166,039,553, A>G on the plus strand (T>C on the coding strand, the complement: SCN1A is on the minus strand). VCF-style: chr2-166039553-A-G. GRCh37 (hg19) VCF-style: chr2-166896063-A-G.
Other names: c.2459T>C (NM_001165963.3); c.2375T>C, p.Ile792Thr (NM_001165964.3, NM_001353957.2, NM_001353958.2); c.2459T>C, p.Ile820Thr (NM_001202435.3, NM_001353948.2); c.2426T>C, p.Ile809Thr (NM_001353949.2, NM_001353950.2, NM_001353951.2 and 2 more transcripts); c.2423T>C, p.Ile808Thr (NM_001353954.2, NM_001353955.2); c.2372T>C, p.Ile791Thr (NM_001353960.2); c.17T>C, p.Ile6Thr (NM_001353961.2); short protein forms I820T, I809T, I6T, I791T, I792T, I808T.
Identifiers: ClinVar variation 331888 (VCV000331888.10), dbSNP rs886055045, ClinGen allele CA10612757.
Genomic context (GRCh38, chr2:166,039,553, plus strand): 5'-ACAATAAAACCGTCAAAGATATTCCAGCCTTCTTGGAAATAATAGTAAGGATCCATGGCA[A>G]TAATTTTCAGAAACATTTCTGCTGTAAAGATCCCAGTGAAAACCTAAGATCAAAACAAAA-3'
Protein context (NP_001159435.1, residues 810-830): IFTAEMFLKI[Ile820Thr]AMDPYYYFQE

ClinVar aggregate classification (germline): Uncertain significance. Review status: criteria provided, multiple submitters, no conflicts (2 of 4 stars). 5 submissions from 4 submitters: Uncertain significance (5). Last evaluated 2026-07-01.

Conditions:
Generalized epilepsy with febrile seizures plus, type 2 (GEFSP2). Also called: GEFS+, TYPE 2. Identifiers: Orphanet 36387, MedGen C1858673, MONDO:0011461, OMIM 604403.
Migraine, familial hemiplegic, 3. Identifiers: Orphanet 569, MedGen C1864987, MONDO:0012320, OMIM 609634.
Early-infantile DEE. Also called: Ohtahara syndrome; Early infantile epileptic encephalopathy; Early infantile epileptic encephalopathy with suppression bursts. Identifiers: Orphanet 1934, MedGen C0393706, MONDO:0800491.

Allele frequency attached by ClinVar (database versions not stated): gnomAD exomes below 0.00001.
gnomAD v4.1: 5 of 1,614,104 alleles (0.00031%); highest among the groups gnomAD compares: Non-Finnish European, 0.00042%; no homozygotes.

Submissions (5):

CeGaT Center for Human Genetics Tuebingen
Classification: Uncertain significance. Last evaluated: 2026-07-01. Review status: criteria provided, single submitter. Criteria: CeGaT Center For Human Genetics Tuebingen Variant Classification Criteria Version 2. Collection method: clinical testing. Allele origin: germline. Affected: yes. Observed: 3 variant alleles.
Comment: SCN1A: PM2, PP2

Labcorp Genetics (formerly Invitae), Labcorp
Classification: Uncertain significance for Early-infantile DEE. Last evaluated: 2025-11-24. Review status: criteria provided, single submitter. Criteria: Invitae Variant Classification Sherloc (09022015). Collection method: clinical testing. Allele origin: germline.
Comment: This sequence change replaces isoleucine, which is neutral and non-polar, with threonine, which is neutral and polar, at codon 820 of the SCN1A protein (p.Ile820Thr). This variant is not present in population databases (gnomAD no frequency). This variant has not been reported in the literature in individuals affected with SCN1A-related conditions. ClinVar contains an entry for this variant (Variation ID: 331888). Invitae Evidence Modeling of protein sequence and biophysical properties (such as structural, functional, and spatial information, amino acid conservation, physicochemical variation, residue mobility, and thermodynamic stability) indicates that this missense variant is expected to disrupt SCN1A protein function with a positive predictive value of 95%. In summary, the available evidence is currently insufficient to determine the role of this variant in disease. Therefore, it has been classified as a Variant of Uncertain Significance.

Revvity Omics, Revvity
Classification: Uncertain significance. Last evaluated: 2024-09-27. Review status: criteria provided, single submitter. Criteria: ACMG Guidelines, 2015. Collection method: clinical testing. Allele origin: germline.

Illumina Laboratory Services, Illumina
Classification: Uncertain significance for Migraine, familial hemiplegic, 3. Last evaluated: 2018-01-12. Review status: criteria provided, single submitter. Criteria: ICSL Variant Classification Criteria 13 December 2019. Collection method: clinical testing. Allele origin: germline.

Illumina Laboratory Services, Illumina
Classification: Uncertain significance for Generalized epilepsy with febrile seizures plus, type 2. Last evaluated: 2018-01-12. Review status: criteria provided, single submitter. Criteria: ICSL Variant Classification Criteria 13 December 2019. Collection method: clinical testing. Allele origin: germline.